The following is an entry in ClinVar:

ClinVar aggregate classification (germline): Uncertain significance (1 of 4 stars; one submission).

Submission:

Labcorp Genetics (formerly Invitae), Labcorp
Classification: Uncertain significance. Last evaluated: 2025-12-24. Review status: criteria provided, single submitter. Criteria: Invitae Variant Classification Sherloc (09022015). Collection method: clinical testing. Allele origin: germline.
Comment: This sequence change replaces arginine, which is basic and polar, with tryptophan, which is neutral and slightly polar, at codon 541 of the DUOX2 protein (p.Arg541Trp). This variant is present in population databases (rs140940946, gnomAD 0.01%). This missense change has been observed in individual(s) with congenital hypothyroidism (PMID: 27166716, 34564849). ClinVar contains an entry for this variant (Variation ID: 3721715). Invitae Evidence Modeling of protein sequence and biophysical properties (such as structural, functional, and spatial information, amino acid conservation, physicochemical variation, residue mobility, and thermodynamic stability) indicates that this missense variant is not expected to disrupt DUOX2 protein function with a negative predictive value of 80%. Experimental studies have shown that this missense change affects DUOX2 function (PMID: 34564849). In summary, the available evidence is currently insufficient to determine the role of this variant in disease. Therefore, it has been classified as a Variant of Uncertain Significance.

Literature cited by the submitters: PubMed 27166716; PubMed 34564849.

NM_001363711.2(DUOX2):c.1621C>T (p.Arg541Trp)

Gene: DUOX2 (dual oxidase 2; minus strand). Cytogenetic location: 15q21.1.
Variant type: single nucleotide variant.
Coding change: c.1621C>T on transcript NM_001363711.2 (MANE Select); coding-DNA position 1621, C replaced by T.
Protein change: p.Arg541Trp; replaces arginine 541 with tryptophan.
Molecular consequence: missense variant.
Genome position (GRCh38, 1-based): chr15:45,107,417, G>A on the plus strand (C>T on the coding strand, the complement: DUOX2 is on the minus strand). VCF-style: chr15-45107417-G-A. GRCh37 (hg19) VCF-style: chr15-45399615-G-A.
Other names: c.1621C>T, p.Arg541Trp (NM_014080.5); short protein forms R541W.
Identifiers: ClinVar variation 3721715 (VCV003721715.2).